The following is an entry in ClinVar:

ClinVar aggregate classification (germline): Pathogenic (1 of 4 stars; one submission).

gnomAD v4.1: 1 of 1,613,520 alleles (0.000062%); highest among the groups gnomAD compares: Non-Finnish European, 0.000085%; no homozygotes.

Submission:

Labcorp Genetics (formerly Invitae), Labcorp
Classification: Pathogenic. Last evaluated: 2024-10-29. Review status: criteria provided, single submitter. Criteria: Invitae Variant Classification Sherloc (09022015). Collection method: clinical testing. Allele origin: germline.
Comment: This sequence change creates a premature translational stop signal (p.Tyr683*) in the ORC1 gene. It is expected to result in an absent or disrupted protein product. Loss-of-function variants in ORC1 are known to be pathogenic (PMID: 21358633). This variant is not present in population databases (gnomAD no frequency). This variant has not been reported in the literature in individuals affected with ORC1-related conditions. For these reasons, this variant has been classified as Pathogenic.

Literature cited by the submitters: PubMed 21358633.

NM_004153.4(ORC1):c.2049T>G (p.Tyr683Ter)

Gene: ORC1 (origin recognition complex subunit 1; minus strand). Cytogenetic location: 1p32.3.
Variant type: single nucleotide variant.
Coding change: c.2049T>G on transcript NM_004153.4 (MANE Select); coding-DNA position 2049, T replaced by G.
Protein change: p.Tyr683Ter; replaces tyrosine 683 with a stop codon.
Molecular consequence: nonsense.
Genome position (GRCh38, 1-based): chr1:52,381,726, A>C on the plus strand (T>G on the coding strand, the complement: ORC1 is on the minus strand). VCF-style: chr1-52381726-A-C. GRCh37 (hg19) VCF-style: chr1-52847398-A-C.
Other names: c.2049T>G, p.Tyr683Ter (NM_001190818.2); c.2034T>G, p.Tyr678Ter (NM_001190819.2); short protein forms Y678*, Y683*.
Identifiers: ClinVar variation 3647736 (VCV003647736.2).